The following is an entry in ClinVar:

ClinVar aggregate classification (germline): Pathogenic (1 of 4 stars; one submission).

Conditions:
Ellis-van Creveld syndrome (EVC). Also called: EVC-Related Ellis-van Creveld Syndrome; EVC2-Related Ellis-van Creveld Syndrome; Chondroectodermal dysplasia; MESOECTODERMAL DYSPLASIA. Identifiers: Orphanet 289, MedGen C0013903, MONDO:0009162, OMIM 225500.
Curry-Hall syndrome (WAD). Also called: WEYERS ACRODENTAL DYSOSTOSIS. Identifiers: Orphanet 952, MedGen C0457013, MONDO:0008673, OMIM 193530.

Allele frequency attached by ClinVar (database versions not stated): gnomAD exomes below 0.00001; TOPMed below 0.00001; ExAC 0.00001.

Submission:

Labcorp Genetics (formerly Invitae), Labcorp
Classification: Pathogenic for Curry-Hall syndrome; Ellis-van Creveld syndrome. Last evaluated: 2023-08-21. Review status: criteria provided, single submitter. Criteria: Invitae Variant Classification Sherloc (09022015). Collection method: clinical testing. Allele origin: germline.
Comment: This variant is present in population databases (rs774416029, gnomAD 0.0009%). This sequence change creates a premature translational stop signal (p.Pro132Thrfs*5) in the EVC2 gene. It is expected to result in an absent or disrupted protein product. Loss-of-function variants in EVC2 are known to be pathogenic (PMID: 17024374, 19810119, 19876929). This variant has not been reported in the literature in individuals affected with EVC2-related conditions. For these reasons, this variant has been classified as Pathogenic. ClinVar contains an entry for this variant (Variation ID: 575995).

Literature cited by the submitters: PubMed 17024374; PubMed 19810119; PubMed 19876929.

NM_147127.5(EVC2):c.392dup (p.Pro132fs)

Gene: EVC2 (EvC ciliary complex subunit 2; minus strand). Cytogenetic location: 4p16.2.
Variant type: Duplication.
Coding change: c.392dup on transcript NM_147127.5 (MANE Select); coding-DNA position 392, one base duplicated (T; older notation c.392dupT).
Protein change: p.Pro132fs; shifts the reading frame from proline 132.
Molecular consequence: frameshift variant.
Genome position (GRCh38, 1-based): chr4:5,694,393, A duplicated on the plus strand (T on the coding strand, the reverse complement: EVC2 is on the minus strand). VCF-style (leftmost placement, unchanged base first): chr4-5694392-T-TA. GRCh37 (hg19) VCF-style: chr4-5696119-T-TA.
Other names: c.392dupT (NM_147127.4); c.152dup, p.Pro52fs (NM_001166136.2); short protein forms P132fs, P52fs.
Identifiers: ClinVar variation 575995 (VCV000575995.7), dbSNP rs774416029, ClinGen allele CA2835481.